The following is an entry in ClinVar:

ClinVar aggregate classification (germline): Benign. Review status: reviewed by expert panel (3 of 4 stars). 2 submissions from 2 submitters: Benign (1). 1 of the submissions does not count toward it. Last evaluated 2015-01-12.

Conditions:
Breast-ovarian cancer, familial, susceptibility to, 1 (BROVCA1). Also called: BRCA1 Hereditary Breast and Ovarian Cancer; OVARIAN CANCER, SUSCEPTIBILITY TO. Identifiers: Orphanet 145, MedGen C2676676, MONDO:0011450, OMIM 604370. Disease mechanism: loss of function.

Allele frequency attached by ClinVar (database versions not stated): 1000 Genomes Project 0.00958; 1000 Genomes Project 30x 0.01015; TOPMed 0.01602.
gnomAD v4.1: 2,213 of 152,188 alleles (1.5%); highest among the groups gnomAD compares: Non-Finnish European, 2.2%; 21 homozygotes.

Submissions (2):

Evidence-based Network for the Interpretation of Germline Mutant Alleles (ENIGMA)
Classification: Benign for Breast-ovarian cancer, familial 1. Last evaluated: 2015-01-12. Review status: reviewed by expert panel. Criteria: ENIGMA BRCA1/2 Classification Criteria (2015). Collection method: curation. Allele origin: germline.
Comment: Class 1 not pathogenic based on frequency >1% in an outbred sampleset. Frequency 0.02111 (European), derived from 1000 genomes (2012-04-30).

Breakthrough Genomics
Classification: Benign. Review status: criteria provided, single submitter. Criteria: ACMG Guidelines, 2015. Collection method: not provided. Allele origin: germline. Inheritance: Autosomal recessive inheritance. Affected: yes. Not counted in ClinVar's aggregate classification.

NM_007294.4(BRCA1):c.81-1384G>A

Gene: BRCA1 (BRCA1 DNA repair associated; minus strand). Cytogenetic location: 17q21.31.
Variant type: single nucleotide variant.
Coding change: c.81-1384G>A on transcript NM_007294.4 (MANE Select); 1384 bases into the intron before coding-DNA position 81, G replaced by A.
Molecular consequence: intron variant.
Genome position (GRCh38, 1-based): chr17:43,117,163, C>T on the plus strand (G>A on the coding strand, the complement: BRCA1 is on the minus strand). VCF-style: chr17-43117163-C-T. GRCh37 (hg19) VCF-style: chr17-41269180-C-T.
Other names: IVS 2-1384G>A; c.-61-1384G>A (NM_001408458.1, NM_001408470.1, NM_001407848.1 and 47 more transcripts); c.-219+8114G>A (NM_001407967.1); c.-170+8114G>A (NM_001407959.1); c.-8+8114G>A (NM_001407931.1, NM_001407747.1); c.-223-1384G>A (NM_001407962.1, NM_001408512.1, NM_001408510.1 and 1 more transcripts); c.-108-1384G>A (NM_001407885.1, NM_001407886.1, NM_001408509.1 and 52 more transcripts); c.-177-1384G>A (NM_001407746.1, NM_001408468.1, NM_001407842.1 and 13 more transcripts); and 12 more.
Identifiers: ClinVar variation 209542 (VCV000209542.3), dbSNP rs117381683, ClinGen allele CA276511.